The following is an entry in ClinVar:

NM_206933.4(USH2A):c.4604A>G (p.His1535Arg)

Gene: USH2A (usherin; minus strand). Cytogenetic location: 1q41.
Variant type: single nucleotide variant.
Coding change: c.4604A>G on transcript NM_206933.4 (MANE Select); coding-DNA position 4604, A replaced by G.
Protein change: p.His1535Arg; replaces histidine 1535 with arginine.
Molecular consequence: missense variant.
Genome position (GRCh38, 1-based): chr1:216,175,275, T>C on the plus strand (A>G on the coding strand, the complement: USH2A is on the minus strand). VCF-style: chr1-216175275-T-C. GRCh37 (hg19) VCF-style: chr1-216348617-T-C.
Other names: c.4604A>G, p.His1535Arg (NM_007123.6); short protein forms H1535R.
Identifiers: ClinVar variation 1310277 (VCV001310277.2), dbSNP rs1392389263, ClinGen allele CA344863544.
Genomic context (GRCh38, chr1:216,175,275, plus strand): 5'-CGTGTCTCCTAAATAAAGCAATGTCAAACACACTTACCAGTGAAGTCTGTATTGACTGGG[T>C]GAGTGGAGCTGGGAAATTTACAATACCCATTTCCTATGAAACGGATTCCTTTCATCATCG-3'
Protein context (NP_996816.3, residues 1525-1545): NGYCKFPSST[His1535Arg]PVNTDFTGIK

ClinVar aggregate classification (germline): Uncertain significance (1 of 4 stars; one submission).

Allele frequency attached by ClinVar (database versions not stated): gnomAD 0.00001; TOPMed 0.00001; gnomAD exomes below 0.00001.
gnomAD v4.1: 2 of 1,613,548 alleles (0.00012%); highest among the groups gnomAD compares: African/African-American, 0.0013%; no homozygotes.

Submission:

GeneDx
Classification: Uncertain significance. Last evaluated: 2020-01-14. Review status: criteria provided, single submitter. Criteria: GeneDx Variant Classification Process June 2021. Collection method: clinical testing. Allele origin: germline. Affected: yes.
Comment: Not observed at a significant frequency in large population cohorts (Lek et al., 2016); In silico analysis, which includes protein predictors and evolutionary conservation, supports that this variant does not alter protein structure/function; Has not been previously published as pathogenic or benign to our knowledge